The following is an entry in ClinVar:

ClinVar aggregate classification (germline): Uncertain significance (1 of 4 stars; one submission).

Conditions:
Generalized epilepsy with febrile seizures plus, type 7 (GEFSP7). Also called: GEFS+, TYPE 7. Identifiers: Orphanet 36387, MedGen C2751778, MONDO:0013470, OMIM 613863.
Neuropathy, hereditary sensory and autonomic, type 2A (HSAN2A). Also called: HSAN IIA; MORVAN DISEASE; NEUROPATHY, CONGENITAL SENSORY; NEUROPATHY, HEREDITARY SENSORY RADICULAR, AUTOSOMAL RECESSIVE; NEUROPATHY, HEREDITARY SENSORY, TYPE IIA; NEUROPATHY, PROGRESSIVE SENSORY, OF CHILDREN. Identifiers: Orphanet 970, MedGen C2752089, MONDO:0024309, OMIM 201300.

Submission:

Labcorp Genetics (formerly Invitae), Labcorp
Classification: Uncertain significance for Neuropathy, hereditary sensory and autonomic, type 2A; Generalized epilepsy with febrile seizures plus, type 7. Last evaluated: 2022-02-04. Review status: criteria provided, single submitter. Criteria: Invitae Variant Classification Sherloc (09022015). Collection method: clinical testing. Allele origin: germline.
Comment: This variant is not present in population databases (gnomAD no frequency). This variant has not been reported in the literature in individuals affected with SCN9A-related conditions. ClinVar contains an entry for this variant (Variation ID: 1000913). Algorithms developed to predict the effect of missense changes on protein structure and function are either unavailable or do not agree on the potential impact of this missense change (SIFT: "Tolerated"; PolyPhen-2: "Possibly Damaging"; Align-GVGD: "Class C0"). In summary, the available evidence is currently insufficient to determine the role of this variant in disease. Therefore, it has been classified as a Variant of Uncertain Significance. This sequence change replaces tyrosine, which is neutral and polar, with phenylalanine, which is neutral and non-polar, at codon 1103 of the SCN9A protein (p.Tyr1103Phe).

NM_001365536.1(SCN9A):c.3341A>T (p.Tyr1114Phe)

Genes: SCN1A-AS1 (SCN1A and SCN9A antisense RNA 1; plus strand), SCN9A (sodium voltage-gated channel alpha subunit 9; minus strand). Cytogenetic location: 2q24.3.
Variant type: single nucleotide variant.
Coding change: c.3341A>T on transcript NM_001365536.1 (MANE Select); coding-DNA position 3341, A replaced by T.
Protein change: p.Tyr1114Phe; replaces tyrosine 1114 with phenylalanine.
Molecular consequence: missense variant.
Genome position (GRCh38, 1-based): chr2:166,272,409, T>A on the plus strand (A>T on the coding strand, the complement: SCN9A is on the minus strand). VCF-style: chr2-166272409-T-A. GRCh37 (hg19) VCF-style: chr2-167128919-T-A.
Other names: c.3308A>T, p.Tyr1103Phe (NM_002977.4); short protein forms Y1103F, Y1114F.
Identifiers: ClinVar variation 1000913 (VCV001000913.9), dbSNP rs1697032154, ClinGen allele CA349072436.
Genomic context (GRCh38, chr2:166,272,409, plus strand): 5'-TTTCATACTAATTGTTAATATGAAACACAAAGTATATGAAGCATTCTTACCACTTTGCTG[T>A]ATTCACTATCCGAATCACTGCTAAGTTCCTCAGCATTCATATTTTCCAAATCGGATTCCC-3'
Protein context (NP_001352465.1, residues 1104-1124): EELSSDSDSE[Tyr1114Phe]SKVRLNRSSS